The following is an entry in ClinVar:

NM_005911.6(MAT2A):c.1108A>C (p.Ile370Leu)

Genes: GGCX (gamma-glutamyl carboxylase; minus strand), MAT2A (methionine adenosyltransferase 2A; plus strand). Cytogenetic location: 2p11.2.
Variant type: single nucleotide variant.
Coding change: c.1108A>C on transcript NM_005911.6 (MANE Select); coding-DNA position 1108, A replaced by C.
Protein change: p.Ile370Leu; replaces isoleucine 370 with leucine.
Molecular consequence: missense variant.
Genome position (GRCh38, 1-based): chr2:85,543,692, A>C. VCF-style: chr2-85543692-A-C. GRCh37 (hg19) VCF-style: chr2-85770815-A-C.
Other names: short protein forms I370L.
Identifiers: ClinVar variation 3870757 (VCV003870757.1).

ClinVar aggregate classification (germline): Uncertain significance (1 of 4 stars; one submission).

Conditions:
Cardiovascular phenotype. Identifiers: MedGen CN230736.

gnomAD v4.1: 2 of 1,611,704 alleles (0.00012%); highest among the groups gnomAD compares: Non-Finnish European, 0.000085%; no homozygotes.

Submission:

Ambry Genetics
Classification: Uncertain significance for Cardiovascular phenotype. Last evaluated: 2025-01-07. Review status: criteria provided, single submitter. Criteria: Ambry Variant Classification Scheme 2023. Collection method: clinical testing. Allele origin: germline.
Comment: The p.I370L variant (also known as c.1108A>C), located in coding exon 9 of the MAT2A gene, results from an A to C substitution at nucleotide position 1108. The isoleucine at codon 370 is replaced by leucine, an amino acid with highly similar properties. This amino acid position is conserved. In addition, the in silico prediction for this alteration is inconclusive. Based on the available evidence, the clinical significance of this variant remains unclear.